The following is an entry in ClinVar:

ClinVar aggregate classification (germline): Uncertain significance (1 of 4 stars; one submission).

gnomAD v4.1: 1 of 1,614,074 alleles (0.000062%); highest among the groups gnomAD compares: East Asian, 0.0022%; no homozygotes.

Submission:

Ambry Genetics
Classification: Uncertain significance. Last evaluated: 2025-09-12. Review status: criteria provided, single submitter. Criteria: Ambry Variant Classification Scheme 2023. Collection method: clinical testing. Allele origin: germline.
Comment: The p.R618K variant (also known as c.1853G>A), located in coding exon 18 of the KIF1B gene, results from a G to A substitution at nucleotide position 1853. The arginine at codon 618 is replaced by lysine, an amino acid with highly similar properties. This amino acid position is conserved. In addition, this alteration is predicted to be tolerated by in silico analysis. Based on the available evidence, the clinical significance of this variant remains unclear.

NM_001365951.3(KIF1B):c.1991G>A (p.Arg664Lys)

Gene: KIF1B (kinesin family member 1B; plus strand). Cytogenetic location: 1p36.22.
Variant type: single nucleotide variant.
Coding change: c.1991G>A on transcript NM_001365951.3 (MANE Select); coding-DNA position 1991, G replaced by A.
Protein change: p.Arg664Lys; replaces arginine 664 with lysine.
Molecular consequence: missense variant.
Genome position (GRCh38, 1-based): chr1:10,297,026, G>A. VCF-style: chr1-10297026-G-A. GRCh37 (hg19) VCF-style: chr1-10357084-G-A.
Other names: c.1991G>A, p.Arg664Lys (NM_001365952.1); c.1853G>A, p.Arg618Lys (NM_001365953.1, NM_015074.3, NM_183416.4); short protein forms R664K, R618K.
Identifiers: ClinVar variation 4092403 (VCV004092403.1).
Genomic context (GRCh38, chr1:10,297,026, plus strand): 5'-GAGAGAAGACTCCTTCTGCTGAGACCCCCTCTGAGCCTGTGGACTGGACATTTGCCCAGA[G>A]GGAGCTTCTGGAAAAACAAGGAATTGATATGAAACAAGAGATGGAGAAAAGGTAATGCAC-3'
Protein context (NP_001352880.1, residues 654-674): SEPVDWTFAQ[Arg664Lys]ELLEKQGIDM